The following is an entry in ClinVar:

NM_001851.6(COL9A1):c.233T>A (p.Val78Glu)

Gene: COL9A1 (collagen type IX alpha 1 chain; minus strand). Cytogenetic location: 6q13.
Variant type: single nucleotide variant.
Coding change: c.233T>A on transcript NM_001851.6 (MANE Select); coding-DNA position 233, T replaced by A.
Protein change: p.Val78Glu; replaces valine 78 with glutamic acid.
Molecular consequence: missense variant.
Genome position (GRCh38, 1-based): chr6:70,300,109, A>T on the plus strand (T>A on the coding strand, the complement: COL9A1 is on the minus strand). VCF-style: chr6-70300109-A-T. GRCh37 (hg19) VCF-style: chr6-71009812-A-T.
Other names: c.233T>A, p.Val78Glu (NM_001377291.1); short protein forms V78E.
Identifiers: ClinVar variation 1950442 (VCV001950442.5), dbSNP rs756422834, ClinGen allele CA3882876.
Genomic context (GRCh38, chr6:70,300,109, plus strand): 5'-GGAATCCTGAAGTCTACATTATTTCCCAACTTGTAAGCCACCTGCAATGTAGCTGATCCC[A>T]CTACTCTCTGGATAGCTCTTCTAGATGCTGCTTTATCTACCTGGAACTGAGAGATCAGAT-3'
Protein context (NP_001842.3, residues 68-88): AASRRAIQRV[Val78Glu]GSATLQVAYK

ClinVar aggregate classification (germline): Uncertain significance (1 of 4 stars; one submission).

Allele frequency attached by ClinVar (database versions not stated): gnomAD exomes below 0.00001; TOPMed below 0.00001; ExAC 0.00001.
gnomAD v4.1: 1 of 1,613,850 alleles (0.000062%); highest among the groups gnomAD compares: Non-Finnish European, 0.000085%; no homozygotes.

Submission:

Labcorp Genetics (formerly Invitae), Labcorp
Classification: Uncertain significance. Last evaluated: 2022-08-07. Review status: criteria provided, single submitter. Criteria: Invitae Variant Classification Sherloc (09022015). Collection method: clinical testing. Allele origin: germline.
Comment: This variant is present in population databases (rs756422834, gnomAD 0.002%). In summary, the available evidence is currently insufficient to determine the role of this variant in disease. Therefore, it has been classified as a Variant of Uncertain Significance. Advanced modeling of protein sequence and biophysical properties (such as structural, functional, and spatial information, amino acid conservation, physicochemical variation, residue mobility, and thermodynamic stability) performed at Invitae indicates that this missense variant is not expected to disrupt COL9A1 protein function. This variant has not been reported in the literature in individuals affected with COL9A1-related conditions. This sequence change replaces valine, which is neutral and non-polar, with glutamic acid, which is acidic and polar, at codon 78 of the COL9A1 protein (p.Val78Glu).